The following is an entry in ClinVar:

NM_001271.4(CHD2):c.3155G>C (p.Arg1052Thr)

Gene: CHD2 (chromodomain helicase DNA binding protein 2; plus strand). Cytogenetic location: 15q26.1.
Variant type: single nucleotide variant.
Coding change: c.3155G>C on transcript NM_001271.4 (MANE Select); coding-DNA position 3155, G replaced by C.
Protein change: p.Arg1052Thr; replaces arginine 1052 with threonine.
Molecular consequence: missense variant.
Genome position (GRCh38, 1-based): chr15:92,984,418, G>C. VCF-style: chr15-92984418-G-C. GRCh37 (hg19) VCF-style: chr15-93527648-G-C.
Other names: short protein forms R1052T.
Identifiers: ClinVar variation 1313459 (VCV001313459.2), dbSNP rs2141850628, ClinGen allele CA393895264.

ClinVar aggregate classification (germline): Likely pathogenic (1 of 4 stars; one submission).

Submission:

GeneDx
Classification: Likely pathogenic. Last evaluated: 2022-11-21. Review status: criteria provided, single submitter. Criteria: GeneDx Variant Classification Process June 2021. Collection method: clinical testing. Allele origin: germline. Affected: yes.
Comment: Not observed in large population cohorts (gnomAD); In silico analysis supports that this missense variant has a deleterious effect on protein structure/function; Has not been previously published as pathogenic or benign to our knowledge